The following is an entry in ClinVar:

ClinVar aggregate classification (germline): Pathogenic. Review status: criteria provided, multiple submitters, no conflicts (2 of 4 stars). 16 submissions from 15 submitters: Pathogenic (12). 4 of the submissions do not count toward it. Last evaluated 2026-05-05.

Conditions:
Hereditary cancer-predisposing syndrome. Also called: Hereditary neoplastic syndrome; Neoplastic Syndromes, Hereditary; Hereditary Cancer Syndrome; Tumor predisposition. Identifiers: Orphanet 140162, MedGen C0027672, MeSH D009386, MONDO:0015356.
Familial cancer of breast. Also called: Hereditary breast cancer; BREAST CANCER, FAMILIAL; hereditary breast carcinoma. Identifiers: Orphanet 227535, MedGen C0346153, MONDO:0016419, OMIM 114480. Disease mechanism: loss of function.
Fanconi anemia complementation group J. Also called: BRIP1-Related Fanconi Anemia. Identifiers: Orphanet 84, MedGen C1836860, MONDO:0012187, OMIM 609054.
BRIP1-related disorder. Also called: BRIP1-related condition; BRIP1-related disorders. Identifiers: MedGen CN239206.
Hereditary breast ovarian cancer syndrome. Also called: Hereditary breast and ovarian cancer syndrome; Breast and ovarian cancer; BRCA1- and BRCA2-Associated Hereditary Breast and Ovarian Cancer; Hereditary breast and ovarian cancer syndrome (HBOC); Hereditary breast and/or ovarian cancer syndrome; Hereditary breast and ovarian cancer. Identifiers: Orphanet 145, MedGen C0677776, MeSH D061325, MONDO:0003582. Disease mechanism: loss of function.
Ovarian neoplasm. Also called: Ovarian tumor; Ovarian Neoplasms; Neoplasm of ovary. Identifiers: MedGen C0919267, MeSH D010051, MONDO:0021068, HP:0100615.
Fanconi anemia complementation group D2. Also called: FANCD2-Related Fanconi Anemia; FANCONI PANCYTOPENIA, TYPE 4; FANCONI ANEMIA, COMPLEMENTATION GROUP D. Identifiers: Orphanet 84, MedGen C3160738, MONDO:0009214, OMIM 227646.
Breast cancer, early-onset. Identifiers: MedGen C4016951.

Allele frequency attached by ClinVar (database versions not stated): TOPMed below 0.00001; ExAC 0.00001; gnomAD exomes 0.00001 and 0.00002.
gnomAD v4.1: 14 of 1,614,126 alleles (0.00087%); highest among the groups gnomAD compares: East Asian, 0.0022%; no homozygotes.

Submissions (16):

German Consortium for Hereditary Breast and Ovarian Cancer, University Hospital Cologne
Classification: Pathogenic for Hereditary breast ovarian cancer syndrome. Last evaluated: 2026-05-05. Review status: criteria provided, single submitter. Criteria: ACMG SVI. Collection method: curation. Allele origin: germline.
Comment: This classification follows the ACMG SVI adaptation classification scheme; We chose these criteria: PVS1 (very strong pathogenic): nonsense variant, predicted to undergo NMD, PS3 (supporting pathogenic): LOF in Calvo et al. Mol Cancer Res 2021 19(6):1015-1025 (PMID: 33619228), PM2 (supporting pathogenic): gnomAD v4.1.1 = 0.000008673 (= 0.0009%, thus < 0.001%)

Labcorp Genetics (formerly Invitae), Labcorp
Classification: Pathogenic for Familial cancer of breast; Fanconi anemia complementation group J. Last evaluated: 2026-02-01. Review status: criteria provided, single submitter. Criteria: Invitae Variant Classification Sherloc (09022015). Collection method: clinical testing. Allele origin: germline.
Comment: This sequence change creates a premature translational stop signal (p.Arg581*) in the BRIP1 gene. It is expected to result in an absent or disrupted protein product. Loss-of-function variants in BRIP1 are known to be pathogenic (PMID: 16116423, 17033622, 21964575). This variant is present in population databases (rs780020495, gnomAD 0.007%). This premature translational stop signal has been observed in individual(s) with breast and colon cancer (PMID: 25186627, 27462233, 29368626). ClinVar contains an entry for this variant (Variation ID: 434539). RNA analysis performed to evaluate the impact of this premature translational stop signal on mRNA splicing indicates it does not significantly alter splicing (internal data). For these reasons, this variant has been classified as Pathogenic.

GeneDx
Classification: Pathogenic. Last evaluated: 2024-05-08. Review status: criteria provided, single submitter. Criteria: GeneDx Variant Classification Process June 2021. Collection method: clinical testing. Allele origin: germline. Affected: yes.
Comment: Nonsense variant predicted to result in protein truncation or nonsense mediated decay in a gene for which loss of function is a known mechanism of disease; Not observed at significant frequency in large population cohorts (gnomAD); This variant is associated with the following publications: (PMID: 25186627, 27462233, 29368626, 33309985, 33619228, 33807840, 35171259, 35353237, 32318955, 29625052, 29922827, 29053726, 36451132)

Myriad Genetics, Inc.
Classification: Pathogenic for Familial cancer of breast. Last evaluated: 2023-06-05. Review status: criteria provided, single submitter. Criteria: Myriad Autosomal Dominant, Autosomal Recessive and X-Linked Classification Criteria (2023). Collection method: clinical testing. Allele origin: unknown.
Comment: This variant is considered pathogenic. This variant creates a termination codon and is predicted to result in premature protein truncation.

Baylor Genetics
Classification: Pathogenic for Familial cancer of breast. Last evaluated: 2023-04-12. Review status: criteria provided, single submitter. Criteria: ACMG Guidelines, 2015. Collection method: clinical testing. Allele origin: unknown.

Ambry Genetics
Classification: Pathogenic for Hereditary cancer-predisposing syndrome. Last evaluated: 2022-04-29. Review status: criteria provided, single submitter. Criteria: Ambry Variant Classification Scheme 2023. Collection method: clinical testing. Allele origin: germline.
Comment: The p.R581* pathogenic mutation (also known as c.1741C>T), located in coding exon 11 of the BRIP1 gene, results from a C to T substitution at nucleotide position 1741. This changes the amino acid from an arginine to a stop codon within coding exon 11. This alteration was previously identified in a breast cancer patient (Tung N et al. Cancer. 2015 Jan;121(1):25-33). In addition to the clinical data presented in the literature, this alteration is expected to result in loss of function by premature protein truncation or nonsense-mediated mRNA decay. As such, this alteration is interpreted as a disease-causing mutation.

Color Diagnostics, LLC DBA Color Health
Classification: Pathogenic for Hereditary cancer-predisposing syndrome. Last evaluated: 2021-06-08. Review status: criteria provided, single submitter. Criteria: ACMG Guidelines, 2015. Collection method: clinical testing. Allele origin: germline.
Comment: This variant changes 1 nucleotide in exon 12 of the BRIP1 gene, creating a premature translation stop signal. This variant is expected to result in an absent or non-functional protein product. This variant has been reported in individuals affected with breast, colon and ovarian cancer in the literature (PMID: 25186627, 27462233, 29368626, 33807840). This variant has been identified in 5/251446 chromosomes in the general population by the Genome Aggregation Database (gnomAD). Loss of BRIP1 function is a known mechanism of disease. Based on the available evidence, this variant is classified as Pathogenic.

Quest Diagnostics Nichols Institute San Juan Capistrano
Classification: Pathogenic. Last evaluated: 2021-05-03. Review status: criteria provided, single submitter. Criteria: Quest Diagnostics criteria. Collection method: clinical testing. Allele origin: unknown.
Comment: This nonsense variant causes the premature termination of BRIP1 protein synthesis, and has been reported in individuals affected with breast, colon, or liver cancer (PMIDs: 25186627 (2015), 27462233 (2016), 29368626 (2018), 29625052 (2018), and 32318955 (2020)). The frequency of this variant in the general population is consistent with pathogenicity. Therefore, the variant is classified as pathogenic.

Department of Molecular Diagnostics, Institute of Oncology Ljubljana
Classification: Pathogenic for Ovarian cancer. Last evaluated: 2020-04-02. Review status: criteria provided, single submitter. Criteria: ACMG Guidelines, 2015. Collection method: clinical testing. Allele origin: germline. Affected: yes.

Genetic Services Laboratory, University of Chicago
Classification: Pathogenic for Breast cancer, early-onset. Last evaluated: 2016-12-05. Review status: criteria provided, single submitter. Criteria: ACMG Guidelines, 2015. Collection method: clinical testing. Allele origin: germline. Affected: yes.

Institute of Human Genetics, University Hospital of Duesseldorf
Classification: Pathogenic for Fanconi anemia complementation group D2. Review status: criteria provided, single submitter. Criteria: ACMG Guidelines, 2015. Collection method: not provided. Allele origin: germline. Inheritance: Autosomal dominant inheritance. Affected: yes.

Juno Genomics, Hangzhou Juno Genomics, Inc
Classification: Pathogenic for Familial cancer of breast. Review status: criteria provided, single submitter. Criteria: ACMG Guidelines, 2015. Collection method: clinical testing. Allele origin: germline.
Comment: Absent from controls (or at extremely low frequency if recessive) in Genome Aggregation Database.;Null variant in a gene where loss of function (LOF) is a known mechanism of disease.;The prevalence of the variant in affected individuals is significantly increased compared to the prevalence in controls.

PreventionGenetics, part of Exact Sciences
Classification: Pathogenic for BRIP1-related condition. Last evaluated: 2024-03-14. Review status: no assertion criteria provided. Collection method: clinical testing. Allele origin: germline. Not counted in ClinVar's aggregate classification.
Comment: The BRIP1 c.1741C>T variant is predicted to result in premature protein termination (p.Arg581*). This variant was reported germline/presumed germline in individuals with breast cancer, ovarian cancer, pancreatic ductal adenocarcinoma, and colon cancer (Tung et al. 2015. PubMed ID: 25186627; Harter et al. 2017. PubMed ID: 29053726; Zeng et al. 2020. PubMed ID: 32318955; Yin et al. 2022. PubMed ID: 35171259; Sorscher. 2016. PubMed ID: 27462233; Inagaki et al. 2021. PubMed ID: 33807840; Felix et al. 2022. PubMed ID: 35353237). This variant was also reported in prostate adenocarcinoma, hepatocellular carcinoma, and ovarian cancer samples (Calvo et al. 2021. PubMed ID: 33619228; Huang et al. 2018. PubMed ID: 29625052; Feng et al. 2021. PubMed ID: 33842585). This variant is reported in 0.0062% of alleles in individuals of African descent in gnomAD, and documented as pathogenic in ClinVar. Nonsense variants in BRIP1 are expected to be pathogenic. This variant is interpreted as pathogenic.

German Consortium for Hereditary Breast and Ovarian Cancer, University Hospital Cologne
Classification: Pathogenic for Ovarian neoplasm. Last evaluated: 2018-12-01. Review status: no assertion criteria provided. Collection method: research. Allele origin: germline. Affected: yes. Not counted in ClinVar's aggregate classification.

Diagnostic Laboratory, Department of Genetics, University Medical Center Groningen
Classification: Pathogenic. Review status: no assertion criteria provided. Collection method: clinical testing. Allele origin: germline. Affected: yes. Study: VKGL Data-share Consensus. Not counted in ClinVar's aggregate classification.

Joint Genome Diagnostic Labs from Nijmegen and Maastricht, Radboudumc and MUMC+
Classification: Pathogenic. Review status: no assertion criteria provided. Collection method: clinical testing. Allele origin: germline. Affected: yes. Study: VKGL Data-share Consensus. Not counted in ClinVar's aggregate classification.

Literature cited by the submitters: PubMed 16116423 (cited by Labcorp Genetics (formerly Invitae), Labcorp); PubMed 17033622 (cited by Labcorp Genetics (formerly Invitae), Labcorp); PubMed 21964575 (cited by Labcorp Genetics (formerly Invitae), Labcorp); PubMed 25186627 (cited by 3 submitters); PubMed 27462233 (cited by 3 submitters); PubMed 29368626 (cited by Labcorp Genetics (formerly Invitae), Labcorp and Quest Diagnostics Nichols Institute San Juan Capistrano); PubMed 29625052 (cited by Quest Diagnostics Nichols Institute San Juan Capistrano); PubMed 32318955 (cited by Quest Diagnostics Nichols Institute San Juan Capistrano).

NM_032043.3(BRIP1):c.1741C>T (p.Arg581Ter)

Gene: BRIP1 (BRCA1 interacting DNA helicase 1; minus strand). Cytogenetic location: 17q23.2.
Variant type: single nucleotide variant.
Coding change: c.1741C>T on transcript NM_032043.3 (MANE Select); coding-DNA position 1741, C replaced by T.
Protein change: p.Arg581Ter; replaces arginine 581 with a stop codon.
Molecular consequence: nonsense.
Genome position (GRCh38, 1-based): chr17:61,780,893, G>A on the plus strand (C>T on the coding strand, the complement: BRIP1 is on the minus strand). VCF-style: chr17-61780893-G-A. GRCh37 (hg19) VCF-style: chr17-59858254-G-A.
Other names: short protein forms R581*.
Identifiers: ClinVar variation 434539 (VCV000434539.44), dbSNP rs780020495, ClinGen allele CA8690678.